The following is an entry in ClinVar:

NM_022168.4(IFIH1):c.2548C>T (p.Arg850Ter)

Gene: IFIH1 (interferon induced with helicase C domain 1; minus strand). Cytogenetic location: 2q24.2.
Variant type: single nucleotide variant.
Coding change: c.2548C>T on transcript NM_022168.4 (MANE Select); coding-DNA position 2548, C replaced by T.
Protein change: p.Arg850Ter; replaces arginine 850 with a stop codon.
Molecular consequence: nonsense.
Genome position (GRCh38, 1-based): chr2:162,272,294, G>A on the plus strand (C>T on the coding strand, the complement: IFIH1 is on the minus strand). VCF-style: chr2-162272294-G-A. GRCh37 (hg19) VCF-style: chr2-163128804-G-A.
Other names: c.2548C>T, p.Arg850Ter (LRG_1235t1); short protein forms R850*.
Identifiers: ClinVar variation 653250 (VCV000653250.28), dbSNP rs750804689, ClinGen allele CA59655641.

ClinVar aggregate classification (germline): Conflicting classifications of pathogenicity. Review status: criteria provided, conflicting classifications (1 of 4 stars). 2 submissions from 2 submitters: Likely pathogenic (1); Uncertain significance (1). Last evaluated 2026-06-01.

Conditions:
Aicardi-Goutieres syndrome 7 (AGS7). Identifiers: Orphanet 51, MedGen C3888244, MONDO:0014367, OMIM 615846.
Singleton-Merten syndrome 1 (SGMRT1). Also called: Widened medullary cavities of bone, aortic calcification, abnormal dentition, and muscular weakness; Syndrome of widened medullary cavities of the metacarpals and phalanges, aortic calcification and abnormal dentition. Identifiers: Orphanet 85191, MedGen C4225427, MONDO:0024535, OMIM 182250.

Allele frequency attached by ClinVar (database versions not stated): gnomAD exomes 0.00001; gnomAD 0.00003 and 0.00004; TOPMed 0.00003.
gnomAD v4.1: 28 of 1,612,528 alleles (0.0017%); highest among the groups gnomAD compares: Middle Eastern, 0.016%; no homozygotes.

Submissions (2):

CeGaT Center for Human Genetics Tuebingen
Classification: Likely pathogenic. Last evaluated: 2026-06-01. Review status: criteria provided, single submitter. Criteria: CeGaT Center For Human Genetics Tuebingen Variant Classification Criteria Version 2. Collection method: clinical testing. Allele origin: germline. Affected: yes. Observed: 2 variant alleles.
Comment: IFIH1: PVS1:Strong, PM2

Labcorp Genetics (formerly Invitae), Labcorp
Classification: Uncertain significance for Aicardi-Goutieres syndrome 7; Singleton-Merten syndrome 1. Last evaluated: 2025-10-02. Review status: criteria provided, single submitter. Criteria: Invitae Variant Classification Sherloc (09022015). Collection method: clinical testing. Allele origin: germline.
Comment: This sequence change creates a premature translational stop signal (p.Arg850*) in the IFIH1 gene. It is expected to result in an absent or disrupted protein product. However, the current clinical and genetic evidence is not sufficient to establish whether loss-of-function variants in IFIH1 cause disease. The frequency data for this variant in the population databases is considered unreliable, as metrics indicate poor data quality at this position in the gnomAD database. This variant has not been reported in the literature in individuals affected with IFIH1-related conditions. This premature translational stop signal has been observed in at least one individual who was not affected with IFIH1-related conditions (internal data). ClinVar contains an entry for this variant (Variation ID: 653250). In summary, the available evidence is currently insufficient to determine the role of this variant in disease. Therefore, it has been classified as a Variant of Uncertain Significance.